The following is an entry in ClinVar:

ClinVar aggregate classification (germline): Pathogenic (1 of 4 stars; one submission).

Conditions:
Retinoblastoma (RB1). Also called: RETINOBLASTOMA, SOMATIC. Identifiers: Orphanet 790, MedGen C0035335, MeSH D012175, MONDO:0008380, OMIM 180200, HP:0009919. Disease mechanism: loss of function. Inheritance: Both sporadic and heritable forms are tested..

Submission:

Labcorp Genetics (formerly Invitae), Labcorp
Classification: Pathogenic for Retinoblastoma. Last evaluated: 2023-02-01. Review status: criteria provided, single submitter. Criteria: Invitae Variant Classification Sherloc (09022015). Collection method: clinical testing. Allele origin: germline.
Comment: For these reasons, this variant has been classified as Pathogenic. This premature translational stop signal has been observed in individual(s) with bilateral retinoblastoma (PMID: 28803391). This variant is not present in population databases (gnomAD no frequency). This sequence change creates a premature translational stop signal (p.Asn258Glnfs*12) in the RB1 gene. It is expected to result in an absent or disrupted protein product. Loss-of-function variants in RB1 are known to be pathogenic (PMID: 17096365).

Literature cited by the submitters: PubMed 28803391; PubMed 17096365.

NM_000321.3(RB1):c.771_772del (p.Asn258fs)

Gene: RB1 (RB transcriptional corepressor 1; plus strand). Cytogenetic location: 13q14.2.
Variant type: Deletion.
Coding change: c.771_772del on transcript NM_000321.3 (MANE Select); coding-DNA positions 771 to 772, 2 bases deleted (GA; older notation c.771_772delGA).
Protein change: p.Asn258fs; shifts the reading frame from asparagine 258.
Molecular consequence: frameshift variant.
Genome position (GRCh38, 1-based): chr13:48,362,867-48,362,868, GA deleted; deleting any 2 consecutive bases within chr13:48,362,866-48,362,868 gives the same sequence; the c. name uses the placement nearest the transcript's 3' end. VCF-style (leftmost placement, unchanged base first): chr13-48362865-CAG-C. GRCh37 (hg19) VCF-style: chr13-48937001-CAG-C.
Other names: c.771_772del, p.Asn258fs (NM_001407165.1, NM_001407166.1); short protein forms N258fs.
Identifiers: ClinVar variation 2910341 (VCV002910341.3), dbSNP rs2542182043, ClinGen allele CA2695218352.
Genomic context (GRCh38, chr13:48,362,865, plus strand): 5'-ACTTTTACAGAAACAGCTGTTATACCCATTAATGGTTCACCTCGAACACCCAGGCGAGGT[CAG>C]AACAGGAGTGCACGGATAGCAAAACAACTAGAAAATGATACAAGAATTATTGAAGTTCTC-3'